The following is an entry in ClinVar:

NM_000059.4(BRCA2):c.6504A>G (p.Gly2168=)

Gene: BRCA2 (BRCA2 DNA repair associated; plus strand). Cytogenetic location: 13q13.1.
Variant type: single nucleotide variant.
Coding change: c.6504A>G on transcript NM_000059.4 (MANE Select); coding-DNA position 6504, A replaced by G.
Protein change: p.Gly2168=; no amino-acid change (glycine 2168 retained).
Molecular consequence: synonymous variant.
Genome position (GRCh38, 1-based): chr13:32,340,859, A>G. VCF-style: chr13-32340859-A-G. GRCh37 (hg19) VCF-style: chr13-32914996-A-G.
Identifiers: ClinVar variation 926891 (VCV000926891.13), dbSNP rs755877503, ClinGen allele CA483439078.

ClinVar aggregate classification (germline): Conflicting classifications of pathogenicity. Review status: criteria provided, conflicting classifications (1 of 4 stars). 4 submissions from 4 submitters: Uncertain significance (1); Likely benign (3). Last evaluated 2025-11-03.

Conditions:
Hereditary cancer-predisposing syndrome. Also called: Neoplastic Syndromes, Hereditary; Tumor predisposition; Hereditary Cancer Syndrome; Hereditary neoplastic syndrome. Identifiers: Orphanet 140162, MedGen C0027672, MeSH D009386, MONDO:0015356.
Hereditary breast ovarian cancer syndrome. Also called: Hereditary breast and ovarian cancer syndrome; BRCA1- and BRCA2-Associated Hereditary Breast and Ovarian Cancer; Hereditary breast and ovarian cancer; Hereditary breast and ovarian cancer syndrome (HBOC); Breast and ovarian cancer; Hereditary breast and/or ovarian cancer syndrome. Identifiers: Orphanet 145, MedGen C0677776, MeSH D061325, MONDO:0003582. Disease mechanism: loss of function.

Allele frequency attached by ClinVar (database versions not stated): TOPMed 0.00001.

Submissions (4):

Labcorp Genetics (formerly Invitae), Labcorp
Classification: Likely benign for Hereditary breast ovarian cancer syndrome. Last evaluated: 2025-11-03. Review status: criteria provided, single submitter. Criteria: Invitae Variant Classification Sherloc (09022015). Collection method: clinical testing. Allele origin: germline.

Ambry Genetics
Classification: Likely benign for Hereditary cancer-predisposing syndrome. Last evaluated: 2024-05-29. Review status: criteria provided, single submitter. Criteria: Ambry Variant Classification Scheme 2023. Collection method: clinical testing. Allele origin: germline.

GeneDx
Classification: Uncertain significance. Last evaluated: 2024-05-20. Review status: criteria provided, single submitter. Criteria: GeneDx Variant Classification Process June 2021. Collection method: clinical testing. Allele origin: germline. Affected: yes.
Comment: Not observed at significant frequency in large population cohorts (gnomAD); In silico analysis indicates that this variant does not alter splicing; Has not been previously published as pathogenic or benign to our knowledge; Also known as 6732A>G

Color Diagnostics, LLC DBA Color Health
Classification: Likely benign for Hereditary cancer-predisposing syndrome. Last evaluated: 2019-04-30. Review status: criteria provided, single submitter. Criteria: ACMG Guidelines, 2015. Collection method: clinical testing. Allele origin: germline.